The following is an entry in ClinVar:

NM_000384.3(APOB):c.7699C>T (p.Gln2567Ter)

Gene: APOB (apolipoprotein B; minus strand). Cytogenetic location: 2p24.1.
Variant type: single nucleotide variant.
Coding change: c.7699C>T on transcript NM_000384.3 (MANE Select); coding-DNA position 7699, C replaced by T.
Protein change: p.Gln2567Ter; replaces glutamine 2567 with a stop codon.
Molecular consequence: nonsense.
Genome position (GRCh38, 1-based): chr2:21,009,169, G>A on the plus strand (C>T on the coding strand, the complement: APOB is on the minus strand). VCF-style: chr2-21009169-G-A. GRCh37 (hg19) VCF-style: chr2-21232041-G-A.
Other names: short protein forms Q2567*.
Identifiers: ClinVar variation 1070406 (VCV001070406.16), dbSNP rs2103355244, ClinGen allele CA345996421.

ClinVar aggregate classification (germline): Pathogenic. Review status: criteria provided, multiple submitters, no conflicts (2 of 4 stars). 2 submissions from 2 submitters: Pathogenic (2). Last evaluated 2025-02-01.

Conditions:
Familial hypobetalipoproteinemia 1. Also called: APOB-Related Familial Hypobetalipoproteinemia; Hypobetalipoproteinemia, normotriglyceridemic; Acanthocytosis with hypobetalipoproteinemia. Identifiers: MedGen C4551990, MONDO:0014252, OMIM 615558.
Hypercholesterolemia, autosomal dominant, type B (FHCL2). Also called: Familial hypercholesterolemia 2; APOLIPOPROTEIN B-100, FAMILIAL DEFECTIVE; APOLIPOPROTEIN B-100, FAMILIAL LIGAND-DEFECTIVE; Hyperlipoproteinemia Type IIb; HYPERCHOLESTEROLEMIA, FAMILIAL, DUE TO LIGAND-DEFECTIVE APOLIPOPROTEIN B; Familial Hypercholesterolemia Type B. Identifiers: MedGen C1704417, MONDO:0007751, OMIM 144010.

Submissions (2):

CeGaT Center for Human Genetics Tuebingen
Classification: Pathogenic. Last evaluated: 2025-02-01. Review status: criteria provided, single submitter. Criteria: CeGaT Center For Human Genetics Tuebingen Variant Classification Criteria Version 2. Collection method: clinical testing. Allele origin: germline. Affected: yes. Observed: 1 variant allele.
Comment: APOB: PVS1, PM2

Labcorp Genetics (formerly Invitae), Labcorp
Classification: Pathogenic for Familial hypobetalipoproteinemia 1; Hypercholesterolemia, autosomal dominant, type B. Last evaluated: 2020-03-21. Review status: criteria provided, single submitter. Criteria: Invitae Variant Classification Sherloc (09022015). Collection method: clinical testing. Allele origin: germline.
Comment: This variant is not present in population databases (ExAC no frequency). This sequence change creates a premature translational stop signal (p.Gln2567*) in the APOB gene. It is expected to result in an absent or disrupted protein product. This variant has not been reported in the literature in individuals with APOB-related conditions. For these reasons, this variant has been classified as Pathogenic. Loss-of-function variants in APOB are known to be pathogenic (PMID: 20032471).

Literature cited by the submitters: PubMed 20032471 (cited by Labcorp Genetics (formerly Invitae), Labcorp).